The following is an entry in ClinVar:

ClinVar aggregate classification (germline): Uncertain significance (0 of 4 stars; one submission).

Conditions:
DDX6-related disorder. Also called: DDX6-related condition.

Submission:

PreventionGenetics, part of Exact Sciences
Classification: Uncertain significance for DDX6-related condition. Last evaluated: 2024-09-11. Review status: no assertion criteria provided. Collection method: clinical testing. Allele origin: germline.
Comment: The DDX6 c.224C>G variant is predicted to result in the amino acid substitution p.Thr75Ser. To our knowledge, this variant has not been reported in the literature or in a large population database, indicating this variant is rare. At this time, the clinical significance of this variant is uncertain due to the absence of conclusive functional and genetic evidence.

NM_004397.6(DDX6):c.224C>G (p.Thr75Ser)

Gene: DDX6 (DEAD-box helicase 6; minus strand). Cytogenetic location: 11q23.3.
Variant type: single nucleotide variant.
Coding change: c.224C>G on transcript NM_004397.6 (MANE Select); coding-DNA position 224, C replaced by G.
Protein change: p.Thr75Ser; replaces threonine 75 with serine.
Molecular consequence: missense variant. On other transcripts: 5 prime UTR variant (1).
Genome position (GRCh38, 1-based): chr11:118,781,161, G>C on the plus strand (C>G on the coding strand, the complement: DDX6 is on the minus strand). VCF-style: chr11-118781161-G-C. GRCh37 (hg19) VCF-style: chr11-118651870-G-C.
Other names: c.224C>G, p.Thr75Ser (NM_001257191.3, NM_001425145.1, NM_001425146.1 and 7 more transcripts); c.-101C>G (NM_001425154.1); short protein forms T75S.
Identifiers: ClinVar variation 3346855 (VCV003346855.1).